The following is an entry in ClinVar:

NM_014974.3(DIP2C):c.3078C>T (p.Asp1026=)

Gene: DIP2C (DIP2 acetate--CoA ligase C (putative); minus strand). Cytogenetic location: 10p15.3.
Variant type: single nucleotide variant.
Coding change: c.3078C>T on transcript NM_014974.3 (MANE Select); coding-DNA position 3078, C replaced by T.
Protein change: p.Asp1026=; no amino-acid change (aspartic acid 1026 retained).
Molecular consequence: synonymous variant.
Genome position (GRCh38, 1-based): chr10:349,362, G>A on the plus strand (C>T on the coding strand, the complement: DIP2C is on the minus strand). VCF-style: chr10-349362-G-A. GRCh37 (hg19) VCF-style: chr10-395302-G-A.
Identifiers: ClinVar variation 780844 (VCV000780844.27), dbSNP rs45485096, ClinGen allele CA5380148.

ClinVar aggregate classification (germline): Benign. Review status: criteria provided, multiple submitters, no conflicts (2 of 4 stars). 3 submissions from 3 submitters: Benign (3). Last evaluated 2026-02-04.

Allele frequency attached by ClinVar (database versions not stated): 1000 Genomes Project 0.00679; 1000 Genomes Project 30x 0.00687; ExAC 0.00797; gnomAD exomes 0.00885 and 0.01191; gnomAD 0.00931 and 0.00949; TOPMed 0.00982; ESP Exome Variant Server 0.01000.
gnomAD v4.1: 18,662 of 1,610,144 alleles (1.2%); highest among the groups gnomAD compares: Admixed American, 1.5%; 154 homozygotes.

Submissions (3):

Labcorp Genetics (formerly Invitae), Labcorp
Classification: Benign. Last evaluated: 2026-02-04. Review status: criteria provided, single submitter. Criteria: Invitae Variant Classification Sherloc (09022015). Collection method: clinical testing. Allele origin: germline.

CeGaT Center for Human Genetics Tuebingen
Classification: Benign. Last evaluated: 2025-11-01. Review status: criteria provided, single submitter. Criteria: CeGaT Center For Human Genetics Tuebingen Variant Classification Criteria Version 2. Collection method: clinical testing. Allele origin: germline. Affected: yes. Observed: 2 variant alleles.
Comment: DIP2C: BP4, BP7, BS1, BS2

Breakthrough Genomics
Classification: Benign. Review status: criteria provided, single submitter. Criteria: ACMG Guidelines, 2015. Collection method: not provided. Allele origin: germline. Inheritance: Unknown mechanism. Affected: yes.